The following is an entry in ClinVar:

ClinVar aggregate classification (germline): Uncertain significance (1 of 4 stars; one submission).

Submission:

Athena Diagnostics
Classification: Uncertain significance. Last evaluated: 2024-07-26. Review status: criteria provided, single submitter. Criteria: Athena Diagnostics Criteria. Collection method: clinical testing. Allele origin: unknown.
Comment: Available data are insufficient to determine the clinical significance of the variant at this time. This variant has not been reported in large, multi-ethnic general populations. Polyphen and MutationTaster predict this amino acid change may be damaging to the protein. Greater than 90% of NOTCH3 pathogenic variants associated with CADASIL involve the gain or loss of a cysteine residue within the epidermal growth factor (EGF)-like repeat domain (PMID: 32457593, 20301673).

NM_000435.3(NOTCH3):c.1116C>G (p.Asn372Lys)

Gene: NOTCH3 (notch receptor 3; minus strand). Cytogenetic location: 19p13.12.
Variant type: single nucleotide variant.
Coding change: c.1116C>G on transcript NM_000435.3 (MANE Select); coding-DNA position 1116, C replaced by G.
Protein change: p.Asn372Lys; replaces asparagine 372 with lysine.
Molecular consequence: missense variant.
Genome position (GRCh38, 1-based): chr19:15,189,349, G>C on the plus strand (C>G on the coding strand, the complement: NOTCH3 is on the minus strand). VCF-style: chr19-15189349-G-C. GRCh37 (hg19) VCF-style: chr19-15300160-G-C.
Other names: short protein forms N372K.
Identifiers: ClinVar variation 3571620 (VCV003571620.1).